The following is an entry in ClinVar:

ClinVar aggregate classification (germline): Benign/Likely benign. Review status: criteria provided, multiple submitters, no conflicts (2 of 4 stars). 5 submissions from 5 submitters: Benign (3); Likely benign (1). 1 of the submissions does not count toward it. Last evaluated 2026-01-28.

Conditions:
LTBP3-related disorder. Also called: LTBP3-related condition.
Inborn genetic diseases. Identifiers: MedGen C0950123, MeSH D030342.
Brachyolmia-amelogenesis imperfecta syndrome. Also called: Tooth agenesis, selective, 6; Dental anomalies and short stature; PLATYSPONDYLY WITH AMELOGENESIS IMPERFECTA. Identifiers: Orphanet 2899, MedGen C1832594, MONDO:0011018, OMIM 601216. Disease mechanism: loss of function.

Allele frequency attached by ClinVar (database versions not stated): gnomAD exomes 0.00069 and 0.00206; ExAC 0.00292; ESP Exome Variant Server 0.00731; gnomAD 0.00735 and 0.00786; TOPMed 0.00813; 1000 Genomes Project 0.00919; 1000 Genomes Project 30x 0.00968.
gnomAD v4.1: 2,163 of 1,612,216 alleles (0.13%); highest among the groups gnomAD compares: African/African-American, 2.6%; 18 homozygotes.

Submissions (10):

Labcorp Genetics (formerly Invitae), Labcorp
Classification: Benign for Brachyolmia-amelogenesis imperfecta syndrome. Last evaluated: 2026-01-28. Review status: criteria provided, single submitter. Criteria: Invitae Variant Classification Sherloc (09022015). Collection method: clinical testing. Allele origin: germline.

Mayo Clinic Laboratories, Mayo Clinic
Classification: Benign. Last evaluated: 2023-03-14. Review status: criteria provided, single submitter. Criteria: ACMG Guidelines, 2015. Collection method: clinical testing. Allele origin: germline. Observed: 2 variant alleles.
Comment: BS1, BS2, BP4, BP7

Ambry Genetics
Classification: Likely benign for Inborn genetic diseases. Last evaluated: 2022-02-11. Review status: criteria provided, single submitter. Criteria: Ambry Variant Classification Scheme 2023. Collection method: clinical testing. Allele origin: germline.

Breakthrough Genomics
Classification: Benign. Review status: criteria provided, single submitter. Criteria: ACMG Guidelines, 2015. Collection method: not provided. Allele origin: germline. Inheritance: Autosomal recessive inheritance. Affected: yes.

PreventionGenetics, part of Exact Sciences
Classification: Benign for LTBP3-related condition. Last evaluated: 2019-05-08. Review status: no assertion criteria provided. Collection method: clinical testing. Allele origin: germline. Not counted in ClinVar's aggregate classification.
Comment: This variant is classified as benign based on ACMG/AMP sequence variant interpretation guidelines (Richards et al. 2015 PMID: 25741868, with internal and published modifications).

Dr. Peter K. Rogan Lab, Western University
No classification provided (evidence only). Condition: Thyroid cancer, nonmedullary, 1. Review status: no classification provided. Collection method: in vitro. Allele origin: not applicable. Functional consequence: retained intron. Not counted in ClinVar's aggregate classification.

Dr. Peter K. Rogan Lab, Western University
No classification provided (evidence only). Condition: Ovarian serous cystadenocarcinoma. Review status: no classification provided. Collection method: in vitro. Allele origin: not applicable. Functional consequence: retained intron. Not counted in ClinVar's aggregate classification.

Dr. Peter K. Rogan Lab, Western University
No classification provided (evidence only). Condition: Ovarian serous cystadenocarcinoma. Review status: no classification provided. Collection method: in vitro. Allele origin: not applicable. Functional consequence: retained intron. Not counted in ClinVar's aggregate classification.

Dr. Peter K. Rogan Lab, Western University
No classification provided (evidence only). Condition: Gastric cancer. Review status: no classification provided. Collection method: in vitro. Allele origin: not applicable. Functional consequence: retained intron. Not counted in ClinVar's aggregate classification.

Dr. Peter K. Rogan Lab, Western University
No classification provided (evidence only). Condition: Gastric cancer. Review status: no classification provided. Collection method: in vitro. Allele origin: not applicable. Functional consequence: retained intron. Not counted in ClinVar's aggregate classification.

NM_001130144.3(LTBP3):c.3573C>T (p.Ser1191=)

Gene: LTBP3 (latent transforming growth factor beta binding protein 3; minus strand). Cytogenetic location: 11q13.1.
Variant type: single nucleotide variant.
Coding change: c.3573C>T on transcript NM_001130144.3 (MANE Select); coding-DNA position 3573, C replaced by T.
Protein change: p.Ser1191=; no amino-acid change (serine 1191 retained).
Molecular consequence: synonymous variant.
Genome position (GRCh38, 1-based): chr11:65,539,603, G>A on the plus strand (C>T on the coding strand, the complement: LTBP3 is on the minus strand). VCF-style: chr11-65539603-G-A. GRCh37 (hg19) VCF-style: chr11-65307074-G-A.
Other names: p.Ser1191=; c.3081C>T, p.Ser1027= (NM_001164266.1); c.3432C>T, p.Ser1144= (NM_021070.4).
Identifiers: ClinVar variation 702827 (VCV000702827.17), dbSNP rs145046881, ClinGen allele CA6100239.